The following is an entry in ClinVar:

ClinVar aggregate classification (germline): Pathogenic (1 of 4 stars; one submission).

Conditions:
Pendred syndrome (PDS). Also called: Pendred's syndrome; DEAFNESS WITH GOITER; GOITER-DEAFNESS SYNDROME; HYPOTHYROIDISM, CONGENITAL, DUE TO DYSHORMONOGENESIS, 2B; THYROID DYSHORMONOGENESIS 2B; THYROID HORMONOGENESIS, GENETIC DEFECT IN, 2B. Identifiers: Orphanet 705, MedGen C0271829, MONDO:0010134, OMIM 274600.

Submission:

Victorian Clinical Genetics Services, Murdoch Childrens Research Institute
Classification: Pathogenic for Pendred syndrome. Last evaluated: 2022-06-24. Review status: criteria provided, single submitter. Criteria: ACMG Guidelines, 2015. Collection method: clinical testing. Allele origin: germline. Inheritance: Autosomal recessive inheritance. Affected: yes.
Comment: Based on the classification scheme VCGS_Germline_v1.3.4, this variant is classified as Pathogenic. Following criteria are met: 0102 - Loss of function is a known mechanism of disease in this gene and is associated with deafness with enlarged vestibular aqueduct (MIM#600791) and Pendred syndrome (MIM#274600). (I) 0106 - This gene is associated with autosomal recessive disease. (I) 0115 - Variants in this gene are known to have variable expressivity (GeneReviews). (I) 0201 - Variant is predicted to cause nonsense-mediated decay (NMD) and loss of protein (premature termination codon is located at least 54 nucleotides upstream of the final exon-exon junction). (SP) 0251 - This variant is heterozygous. (I) 0301 - Variant is absent from gnomAD (both v2 and v3). (SP) 0701 - Other NMD-predicted variants comparable to the one identified in this case have very strong previous evidence for pathogenicity (ClinVar, DECIPHER). (SP) 0801 - This variant has strong previous evidence of pathogenicity in unrelated individuals. This variant has been reported in multiple individuals with non-syndromic enlarged vestibular aqueduct (PMIDs: 23151025, 24599119, 14508505, 31581539, 25372295). (SP) 1208 - Inheritance information for this variant is not currently available in this individual. (I) Legend: (SP) - Supporting pathogenic, (I) - Information, (SB) - Supporting benign

Literature cited by the submitters: PubMed 14508505; PubMed 23151025; PubMed 24599119; PubMed 25372295; PubMed 31581539.

NM_000441.2(SLC26A4):c.1829C>A (p.Ser610Ter)

Gene: SLC26A4 (solute carrier family 26 member 4; plus strand). Cytogenetic location: 7q22.3.
Variant type: single nucleotide variant.
Coding change: c.1829C>A on transcript NM_000441.2 (MANE Select); coding-DNA position 1829, C replaced by A.
Protein change: p.Ser610Ter; replaces serine 610 with a stop codon.
Molecular consequence: nonsense.
Genome position (GRCh38, 1-based): chr7:107,701,852, C>A. VCF-style: chr7-107701852-C-A. GRCh37 (hg19) VCF-style: chr7-107342297-C-A.
Other names: short protein forms S610*.
Identifiers: ClinVar variation 1699000 (VCV001699000.3), dbSNP rs1562839439, ClinGen allele CA368843184.